The following is an entry in ClinVar:

NM_001605.3(AARS1):c.406A>G (p.Thr136Ala)

Gene: AARS1 (alanyl-tRNA synthetase 1; minus strand). Cytogenetic location: 16q22.1.
Variant type: single nucleotide variant.
Coding change: c.406A>G on transcript NM_001605.3 (MANE Select); coding-DNA position 406, A replaced by G.
Protein change: p.Thr136Ala; replaces threonine 136 with alanine.
Molecular consequence: missense variant.
Genome position (GRCh38, 1-based): chr16:70,276,559, T>C on the plus strand (A>G on the coding strand, the complement: AARS1 is on the minus strand). VCF-style: chr16-70276559-T-C. GRCh37 (hg19) VCF-style: chr16-70310462-T-C.
Other names: short protein forms T136A.
Identifiers: ClinVar variation 3016786 (VCV003016786.5), dbSNP rs777540230, ClinGen allele CA8141142.
Genomic context (GRCh38, chr16:70,276,559, plus strand): 5'-AGATCTGTTTGCATTCCAGATCTGCTTCTAAGCCAGCTGCTTCATCCCCGCCAAAGTAAG[T>C]AACATAAAGTCTTTCAATGGGAATGCCAAACTCTTGGGTGAGGAGTTCCAGAGCCATCTT-3'
Protein context (NP_001596.2, residues 126-146): FGIPIERLYV[Thr136Ala]YFGGDEAAGL

ClinVar aggregate classification (germline): Uncertain significance. Review status: criteria provided, multiple submitters, no conflicts (2 of 4 stars). 3 submissions from 3 submitters: Uncertain significance (3). Last evaluated 2026-09-15.

Conditions:
Charcot-Marie-Tooth disease type 2. Also called: Charcot-Marie-Tooth type 2. Identifiers: Orphanet 64746, MedGen C0270914, MONDO:0018993.
AARS1-related disorder. Also called: AARS1-related condition.
Inborn genetic diseases. Identifiers: MedGen C0950123, MeSH D030342.

Allele frequency attached by ClinVar (database versions not stated): gnomAD exomes 0.00001; ExAC 0.00002.
gnomAD v4.1: 8 of 1,614,130 alleles (0.0005%); highest among the groups gnomAD compares: Non-Finnish European, 0.00068%; no homozygotes.

Submissions (3):

PreventionGenetics, part of Exact Sciences
Classification: Uncertain significance for AARS1-related condition. Last evaluated: 2026-09-15. Review status: criteria provided, single submitter. Criteria: ACMG Guidelines, 2015. Collection method: clinical testing. Allele origin: germline.
Comment: The AARS1 c.406A>G variant is predicted to result in the amino acid substitution p.Thr136Ala. To our knowledge, this variant has not been reported in the literature. This variant is reported in 0.0018% of alleles in individuals of European (non-Finnish) descent in gnomAD. At this time, the clinical significance of this variant is uncertain due to the absence of conclusive functional and genetic evidence.

Ambry Genetics
Classification: Uncertain significance for Inborn genetic diseases. Last evaluated: 2025-03-27. Review status: criteria provided, single submitter. Criteria: Ambry Variant Classification Scheme 2023. Collection method: clinical testing. Allele origin: germline.

Labcorp Genetics (formerly Invitae), Labcorp
Classification: Uncertain significance for Charcot-Marie-Tooth disease type 2. Last evaluated: 2023-04-22. Review status: criteria provided, single submitter. Criteria: Invitae Variant Classification Sherloc (09022015). Collection method: clinical testing. Allele origin: germline.
Comment: This sequence change replaces threonine, which is neutral and polar, with alanine, which is neutral and non-polar, at codon 136 of the AARS protein (p.Thr136Ala). This variant is present in population databases (rs777540230, gnomAD 0.002%). This variant has not been reported in the literature in individuals affected with AARS-related conditions. Advanced modeling of protein sequence and biophysical properties (such as structural, functional, and spatial information, amino acid conservation, physicochemical variation, residue mobility, and thermodynamic stability) has been performed at Invitae for this missense variant, however the output from this modeling did not meet the statistical confidence thresholds required to predict the impact of this variant on AARS protein function. In summary, the available evidence is currently insufficient to determine the role of this variant in disease. Therefore, it has been classified as a Variant of Uncertain Significance.